The following is an entry in ClinVar:

NM_003672.4(CDC14A):c.990G>A (p.Ser330=)

Gene: CDC14A (cell division cycle 14A; plus strand). Cytogenetic location: 1p21.2.
Variant type: single nucleotide variant.
Coding change: c.990G>A on transcript NM_003672.4 (MANE Select); coding-DNA position 990, G replaced by A.
Protein change: p.Ser330=; no amino-acid change (serine 330 retained).
Molecular consequence: synonymous variant.
Genome position (GRCh38, 1-based): chr1:100,484,304, G>A. VCF-style: chr1-100484304-G-A. GRCh37 (hg19) VCF-style: chr1-100949860-G-A.
Other names: p.Ser330=; c.990G>A, p.Ser330= (NM_001319210.2, NM_033312.3, NM_033313.3); c.816G>A, p.Ser272= (NM_001319211.2); c.111G>A, p.Ser37= (NM_001319212.2); c.990G>A (NM_033312.2).
Identifiers: ClinVar variation 508568 (VCV000508568.14), dbSNP rs2270694, ClinGen allele CA970764.

ClinVar aggregate classification (germline): Benign. Review status: criteria provided, multiple submitters, no conflicts (2 of 4 stars). 5 submissions from 5 submitters: Benign (5). Last evaluated 2026-02-02.

Allele frequency attached by ClinVar (database versions not stated): 1000 Genomes Project 0.08826; ExAC 0.16762; 1000 Genomes Project 30x 0.09026; TOPMed 0.10574; ESP Exome Variant Server 0.10779; gnomAD 0.11109 and 0.11151; gnomAD exomes 0.11697 and 0.12239.
gnomAD v4.1: 189,505 of 1,562,224 alleles (12%); highest among the groups gnomAD compares: Middle Eastern, 13%; 12,304 homozygotes.

Submissions (5):

Labcorp Genetics (formerly Invitae), Labcorp
Classification: Benign. Last evaluated: 2026-02-02. Review status: criteria provided, single submitter. Criteria: Invitae Variant Classification Sherloc (09022015). Collection method: clinical testing. Allele origin: germline.

Mayo Clinic Laboratories, Mayo Clinic
Classification: Benign. Last evaluated: 2022-04-17. Review status: criteria provided, single submitter. Criteria: ACMG Guidelines, 2015. Collection method: clinical testing. Allele origin: germline. Observed: 32 variant alleles.

Laboratory for Molecular Medicine, Mass General Brigham Personalized Medicine
Classification: Benign. Last evaluated: 2017-08-23. Review status: criteria provided, single submitter. Criteria: LMM Criteria. Collection method: clinical testing. Allele origin: germline. Observed: 63 variant alleles.
Comment: p.Ser330Ser in exon 11 of CDC14A: This variant is not expected to have clinical significance because it does not alter an amino acid residue, is not located wit hin the splice consensus sequence, and has been identified in 21.12% (1071/5072) of Finnish chromosomes by the Exome Aggregation Consortium (ExAC; dbSNP rs2270694).

GeneDx
Classification: Benign. Last evaluated: 2017-05-09. Review status: criteria provided, single submitter. Criteria: GeneDx Variant Classification (06012015). Collection method: clinical testing. Allele origin: germline. Affected: yes.
Comment: This variant is considered likely benign or benign based on one or more of the following criteria: it is a conservative change, it occurs at a poorly conserved position in the protein, it is predicted to be benign by multiple in silico algorithms, and/or has population frequency not consistent with disease.

Breakthrough Genomics
Classification: Benign. Review status: criteria provided, single submitter. Criteria: ACMG Guidelines, 2015. Collection method: not provided. Allele origin: germline. Inheritance: Autosomal recessive inheritance. Affected: yes.